The following is an entry in ClinVar:

ClinVar aggregate classification (germline): Conflicting classifications of pathogenicity. Review status: criteria provided, conflicting classifications (1 of 4 stars). 5 submissions from 5 submitters: Uncertain significance (1); Likely benign (4). Last evaluated 2026-05-07.

Conditions:
FANCI-related disorder. Also called: FANCI-related condition.
Fanconi anemia (FA). Also called: Fanconi's anemia. Identifiers: Orphanet 84, MedGen C0015625, MeSH D005199, MONDO:0019391.
Fanconi anemia complementation group I (FANCI). Also called: FANCI-Related Fanconi Anemia. Identifiers: Orphanet 84, MedGen C1836861, MONDO:0012186, OMIM 609053.

Allele frequency attached by ClinVar (database versions not stated): ExAC 0.00004; gnomAD exomes 0.00007; gnomAD 0.00012 and 0.00013; TOPMed 0.00014; ESP Exome Variant Server 0.00023.
gnomAD v4.1: 493 of 1,614,056 alleles (0.031%); highest among the groups gnomAD compares: Non-Finnish European, 0.041%; no homozygotes.

Submissions (5):

PreventionGenetics, part of Exact Sciences
Classification: Likely benign for FANCI-related condition. Last evaluated: 2026-05-07. Review status: criteria provided, single submitter. Criteria: ACMG Guidelines, 2015. Collection method: clinical testing. Allele origin: germline.
Comment: This variant is classified as likely benign based on ACMG/AMP sequence variant interpretation guidelines (Richards et al. 2015 PMID: 25741868, with internal and published modifications).

Labcorp Genetics (formerly Invitae), Labcorp
Classification: Likely benign for Fanconi anemia. Last evaluated: 2026-01-21. Review status: criteria provided, single submitter. Criteria: Invitae Variant Classification Sherloc (09022015). Collection method: clinical testing. Allele origin: germline.

Blueprint Genetics
Classification: Likely benign. Last evaluated: 2024-01-31. Review status: criteria provided, single submitter. Criteria: ACMG Guidelines, 2015. Collection method: clinical testing. Allele origin: germline.

Sema4
Classification: Likely benign for Fanconi anemia. Last evaluated: 2021-11-22. Review status: criteria provided, single submitter. Criteria: Sema4 Curation Guidelines. Collection method: curation. Allele origin: germline.

Illumina Laboratory Services, Illumina
Classification: Uncertain significance for Fanconi anemia complementation group I. Last evaluated: 2018-01-12. Review status: criteria provided, single submitter. Criteria: ICSL Variant Classification Criteria 13 December 2019. Collection method: clinical testing. Allele origin: germline.

NM_001113378.2(FANCI):c.2406T>C (p.Asp802=)

Gene: FANCI (FA complementation group I; plus strand). Cytogenetic location: 15q26.1.
Variant type: single nucleotide variant.
Coding change: c.2406T>C on transcript NM_001113378.2 (MANE Select); coding-DNA position 2406, T replaced by C.
Protein change: p.Asp802=; no amino-acid change (aspartic acid 802 retained).
Molecular consequence: synonymous variant.
Genome position (GRCh38, 1-based): chr15:89,293,947, T>C. VCF-style: chr15-89293947-T-C. GRCh37 (hg19) VCF-style: chr15-89837178-T-C.
Other names: c.2127T>C, p.Asp709= (NM_001376910.1); c.2406T>C, p.Asp802= (NM_001376911.1, NM_018193.3).
Identifiers: ClinVar variation 414865 (VCV000414865.18), dbSNP rs147934193, ClinGen allele CA7723373.